The following is an entry in ClinVar:

NM_001379081.2(FREM1):c.4489A>T (p.Ile1497Phe)

Gene: FREM1 (FRAS1 related extracellular matrix 1; minus strand). Cytogenetic location: 9p22.3.
Variant type: single nucleotide variant.
Coding change: c.4489A>T on transcript NM_001379081.2 (MANE Select); coding-DNA position 4489, A replaced by T.
Protein change: p.Ile1497Phe; replaces isoleucine 1497 with phenylalanine.
Molecular consequence: missense variant. On other transcripts: non-coding transcript variant (2).
Genome position (GRCh38, 1-based): chr9:14,776,157, T>A on the plus strand (A>T on the coding strand, the complement: FREM1 is on the minus strand). VCF-style: chr9-14776157-T-A. GRCh37 (hg19) VCF-style: chr9-14776155-T-A.
Other names: c.97A>T, p.Ile33Phe (NM_001177704.3, NM_001370058.2, NM_001370061.2); c.4489A>T, p.Ile1497Phe (NM_144966.7); short protein forms I1497F, I33F.
Identifiers: ClinVar variation 195994 (VCV000195994.13), dbSNP rs377466529, ClinGen allele CA242723.

ClinVar aggregate classification (germline): Uncertain significance. Review status: criteria provided, multiple submitters, no conflicts (2 of 4 stars). 6 submissions from 6 submitters: Uncertain significance (6). Last evaluated 2025-08-14.

Conditions:
Inborn genetic diseases. Identifiers: MedGen C0950123, MeSH D030342.
Oculotrichoanal syndrome (MOTA). Also called: MARLES SYNDROME; Manitoba Oculotrichoanal (MOTA) Syndrome. Identifiers: Orphanet 2717, MedGen C1855425, MONDO:0009560, OMIM 248450.
Trigonocephaly 2 (TRIGNO2). Identifiers: Orphanet 3366, MedGen C3280974, MONDO:0013774, OMIM 614485.
BNAR syndrome. Also called: Bifid Nose With or Without Anorectal and Renal Anomalies (BNAR) Syndrome. Identifiers: Orphanet 217266, MedGen C2750433, MONDO:0012165, OMIM 608980.

Allele frequency attached by ClinVar (database versions not stated): ESP Exome Variant Server 0.00024; gnomAD 0.00035 and 0.00038; TOPMed 0.00041.
gnomAD v4.1: 96 of 1,554,700 alleles (0.0062%); highest among the groups gnomAD compares: African/African-American, 0.11%; no homozygotes.

Submissions (6):

Ambry Genetics
Classification: Uncertain significance for Inborn genetic diseases. Last evaluated: 2025-08-14. Review status: criteria provided, single submitter. Criteria: Ambry Variant Classification Scheme 2023. Collection method: clinical testing. Allele origin: germline.

Blueprint Genetics
Classification: Uncertain significance. Last evaluated: 2022-09-13. Review status: criteria provided, single submitter. Criteria: ACMG Guidelines, 2015. Collection method: clinical testing. Allele origin: germline.

Labcorp Genetics (formerly Invitae), Labcorp
Classification: Uncertain significance. Last evaluated: 2022-04-09. Review status: criteria provided, single submitter. Criteria: Invitae Variant Classification Sherloc (09022015). Collection method: clinical testing. Allele origin: germline.
Comment: This sequence change replaces isoleucine, which is neutral and non-polar, with phenylalanine, which is neutral and non-polar, at codon 1497 of the FREM1 protein (p.Ile1497Phe). This variant is present in population databases (rs377466529, gnomAD 0.1%). This variant has not been reported in the literature in individuals affected with FREM1-related conditions. ClinVar contains an entry for this variant (Variation ID: 195994). Algorithms developed to predict the effect of missense changes on protein structure and function are either unavailable or do not agree on the potential impact of this missense change (SIFT: "Deleterious"; PolyPhen-2: "Benign"; Align-GVGD: "Class C0"). In summary, the available evidence is currently insufficient to determine the role of this variant in disease. Therefore, it has been classified as a Variant of Uncertain Significance.

Fulgent Genetics
Classification: Uncertain significance for Oculotrichoanal syndrome; BNAR syndrome; Trigonocephaly 2. Last evaluated: 2022-02-03. Review status: criteria provided, single submitter. Criteria: ACMG Guidelines, 2015. Collection method: clinical testing. Allele origin: unknown.

GeneDx
Classification: Uncertain significance. Last evaluated: 2020-05-21. Review status: criteria provided, single submitter. Criteria: GeneDx Variant Classification Process June 2021. Collection method: clinical testing. Allele origin: germline. Affected: yes.
Comment: In silico analysis, which includes protein predictors and evolutionary conservation, supports a deleterious effect; Has not been previously published as pathogenic or benign to our knowledge

Eurofins Ntd Llc (ga)
Classification: Uncertain significance. Last evaluated: 2015-06-04. Review status: criteria provided, single submitter. Criteria: EGL Classification Definitions 2015. Collection method: clinical testing. Allele origin: germline. Observed: 1 variant allele, 1 heterozygote.